The following is an entry in ClinVar:

ClinVar aggregate classification (germline): Benign. Review status: criteria provided, multiple submitters, no conflicts (2 of 4 stars). 5 submissions from 5 submitters: Benign (4). 1 of the submissions does not count toward it. Last evaluated 2024-11-28.

Allele frequency attached by ClinVar (database versions not stated): TOPMed 0.69529; gnomAD 0.69948 and 0.70329; 1000 Genomes Project 30x 0.71721; 1000 Genomes Project 0.71765; gnomAD exomes 0.73022 and 0.73796; ExAC 0.73422; ESP Exome Variant Server 0.69379.
gnomAD v4.1: 1,175,500 of 1,600,390 alleles (73%); highest among the groups gnomAD compares: East Asian, 86%; 432,819 homozygotes.

Submissions (5):

Blueprint Genetics
Classification: Benign. Last evaluated: 2024-11-28. Review status: criteria provided, single submitter. Criteria: ACMG Guidelines, 2015. Collection method: clinical testing. Allele origin: germline.

Mayo Clinic Laboratories, Mayo Clinic
Classification: Benign. Last evaluated: 2022-03-24. Review status: criteria provided, single submitter. Criteria: ACMG Guidelines, 2015. Collection method: clinical testing. Allele origin: germline. Observed: 448 variant alleles.

GeneDx
Classification: Benign. Last evaluated: 2020-04-03. Review status: criteria provided, single submitter. Criteria: GeneDx Variant Classification Process June 2021. Collection method: clinical testing. Allele origin: germline. Affected: yes.

Breakthrough Genomics
Classification: Benign. Review status: criteria provided, single submitter. Criteria: ACMG Guidelines, 2015. Collection method: not provided. Allele origin: germline. Inheritance: Autosomal recessive inheritance. Affected: yes.

Genetic Services Laboratory, University of Chicago
Classification: Likely benign for AllHighlyPenetrant. Review status: no assertion criteria provided. Collection method: clinical testing. Allele origin: germline. Inheritance: Autosomal recessive inheritance. Not counted in ClinVar's aggregate classification.
Comment: Likely benign based on allele frequency in 1000 Genomes Project or ESP global frequency and its presence in a patient with a rare or unrelated disease phenotype. NOT Sanger confirmed.

NM_001163809.2(WDR81):c.5451A>G (p.Thr1817=)

Gene: WDR81 (WD repeat domain 81; plus strand). Cytogenetic location: 17p13.3.
Variant type: single nucleotide variant.
Coding change: c.5451A>G on transcript NM_001163809.2 (MANE Select); coding-DNA position 5451, A replaced by G.
Protein change: p.Thr1817=; no amino-acid change (threonine 1817 retained).
Molecular consequence: synonymous variant.
Genome position (GRCh38, 1-based): chr17:1,736,164, A>G. VCF-style: chr17-1736164-A-G. GRCh37 (hg19) VCF-style: chr17-1639458-A-G.
Other names: p.Thr1817=; c.1842A>G, p.Thr614= (NM_001163673.2); c.1770A>G, p.Thr590= (NM_001163811.2); c.2298A>G, p.Thr766= (NM_152348.4).
Identifiers: ClinVar variation 130744 (VCV000130744.12), dbSNP rs11549259, ClinGen allele CA155999.